The following is an entry in ClinVar:

NM_006231.4(POLE):c.2082G>T (p.Lys694Asn)

Gene: POLE (DNA polymerase epsilon, catalytic subunit; minus strand). Cytogenetic location: 12q24.33.
Variant type: single nucleotide variant.
Coding change: c.2082G>T on transcript NM_006231.4 (MANE Select); coding-DNA position 2082, G replaced by T.
Protein change: p.Lys694Asn; replaces lysine 694 with asparagine.
Molecular consequence: missense variant.
Genome position (GRCh38, 1-based): chr12:132,668,447, C>A on the plus strand (G>T on the coding strand, the complement: POLE is on the minus strand). VCF-style: chr12-132668447-C-A. GRCh37 (hg19) VCF-style: chr12-133245033-C-A.
Other names: short protein forms K694N.
Identifiers: ClinVar variation 1058112 (VCV001058112.12), dbSNP rs1463185462, ClinGen allele CA387354118.

ClinVar aggregate classification (germline): Uncertain significance. Review status: criteria provided, multiple submitters, no conflicts (2 of 4 stars). 2 submissions from 2 submitters: Uncertain significance (2). Last evaluated 2025-10-19.

Conditions:
Hereditary cancer-predisposing syndrome. Also called: Neoplastic Syndromes, Hereditary; Hereditary Cancer Syndrome; Hereditary neoplastic syndrome; Tumor predisposition. Identifiers: Orphanet 140162, MedGen C0027672, MeSH D009386, MONDO:0015356.

Allele frequency attached by ClinVar (database versions not stated): gnomAD exomes below 0.00001; TOPMed 0.00001.
gnomAD v4.1: 3 of 1,612,662 alleles (0.00019%); highest among the groups gnomAD compares: Admixed American, 0.005%; no homozygotes.

Submissions (2):

Labcorp Genetics (formerly Invitae), Labcorp
Classification: Uncertain significance. Last evaluated: 2025-10-19. Review status: criteria provided, single submitter. Criteria: Invitae Variant Classification Sherloc (09022015). Collection method: clinical testing. Allele origin: germline.
Comment: This sequence change replaces lysine, which is basic and polar, with asparagine, which is neutral and polar, at codon 694 of the POLE protein (p.Lys694Asn). This variant is present in population databases (no rsID available, gnomAD 0.003%). This variant has not been reported in the literature in individuals affected with POLE-related conditions. ClinVar contains an entry for this variant (Variation ID: 1058112). Invitae Evidence Modeling of protein sequence and biophysical properties (such as structural, functional, and spatial information, amino acid conservation, physicochemical variation, residue mobility, and thermodynamic stability) indicates that this missense variant is not expected to disrupt POLE protein function with a negative predictive value of 80%. In summary, the available evidence is currently insufficient to determine the role of this variant in disease. Therefore, it has been classified as a Variant of Uncertain Significance.

Ambry Genetics
Classification: Uncertain significance for Hereditary cancer-predisposing syndrome. Last evaluated: 2025-05-15. Review status: criteria provided, single submitter. Criteria: Ambry Variant Classification Scheme 2023. Collection method: clinical testing. Allele origin: germline.
Comment: The p.K694N variant (also known as c.2082G>T), located in coding exon 19 of the POLE gene, results from a G to T substitution at nucleotide position 2082. The lysine at codon 694 is replaced by asparagine, an amino acid with similar properties. This amino acid position is conserved. In addition, this alteration is predicted to be tolerated by in silico analysis. Since supporting evidence is limited at this time, the clinical significance of this alteration remains unclear.